The following is an entry in ClinVar:

NM_012073.5(CCT5):c.1402A>G (p.Met468Val)

Gene: CCT5 (chaperonin containing TCP1 subunit 5; plus strand). Cytogenetic location: 5p15.2.
Variant type: single nucleotide variant.
Coding change: c.1402A>G on transcript NM_012073.5 (MANE Select); coding-DNA position 1402, A replaced by G.
Protein change: p.Met468Val; replaces methionine 468 with valine.
Molecular consequence: missense variant.
Genome position (GRCh38, 1-based): chr5:10,263,218, A>G. VCF-style: chr5-10263218-A-G. GRCh37 (hg19) VCF-style: chr5-10263330-A-G.
Other names: c.1339A>G, p.Met447Val (NM_001306153.1); c.1237A>G, p.Met413Val (NM_001306154.2); c.1123A>G, p.Met375Val (NM_001306155.2); c.1288A>G, p.Met430Val (NM_001306156.2); short protein forms M375V, M413V, M430V, M447V, M468V.
Identifiers: ClinVar variation 3605228 (VCV003605228.2).

ClinVar aggregate classification (germline): Uncertain significance (1 of 4 stars; one submission).

Conditions:
Hereditary sensory and autonomic neuropathy with spastic paraplegia (HSNSP). Identifiers: Orphanet 139578, MedGen C1850395, MONDO:0009748, OMIM 256840.

gnomAD v4.1: 1 of 1,614,190 alleles (0.000062%); highest among the groups gnomAD compares: Non-Finnish European, 0.000085%; no homozygotes.

Submission:

Labcorp Genetics (formerly Invitae), Labcorp
Classification: Uncertain significance for Hereditary sensory and autonomic neuropathy with spastic paraplegia. Last evaluated: 2024-06-03. Review status: criteria provided, single submitter. Criteria: Invitae Variant Classification Sherloc (09022015). Collection method: clinical testing. Allele origin: germline.
Comment: This sequence change replaces methionine, which is neutral and non-polar, with valine, which is neutral and non-polar, at codon 468 of the CCT5 protein (p.Met468Val). This variant is not present in population databases (gnomAD no frequency). This variant has not been reported in the literature in individuals affected with CCT5-related conditions. Advanced modeling of protein sequence and biophysical properties (such as structural, functional, and spatial information, amino acid conservation, physicochemical variation, residue mobility, and thermodynamic stability) performed at Invitae indicates that this missense variant is not expected to disrupt CCT5 protein function with a negative predictive value of 80%. In summary, the available evidence is currently insufficient to determine the role of this variant in disease. Therefore, it has been classified as a Variant of Uncertain Significance.